The following is an entry in ClinVar:

NM_015629.4(PRPF31):c.182C>G (p.Ala61Gly)

Gene: PRPF31 (pre-mRNA processing factor 31; plus strand). Cytogenetic location: 19q13.42.
Variant type: single nucleotide variant.
Coding change: c.182C>G on transcript NM_015629.4 (MANE Select); coding-DNA position 182, C replaced by G.
Protein change: p.Ala61Gly; replaces alanine 61 with glycine.
Molecular consequence: missense variant.
Genome position (GRCh38, 1-based): chr19:54,118,577, C>G. VCF-style: chr19-54118577-C-G. GRCh37 (hg19) VCF-style: chr19-54621957-C-G.
Other names: short protein forms A61G.
Identifiers: ClinVar variation 288338 (VCV000288338.10), dbSNP rs140412357, ClinGen allele CA309321151.

ClinVar aggregate classification (germline): Uncertain significance. Review status: criteria provided, multiple submitters, no conflicts (2 of 4 stars). 2 submissions from 2 submitters: Uncertain significance (2). Last evaluated 2024-02-06.

Allele frequency attached by ClinVar (database versions not stated): gnomAD 0.00003; gnomAD exomes 0.00003; TOPMed 0.00004; ESP Exome Variant Server 0.00008.
gnomAD v4.1: 50 of 1,613,968 alleles (0.0031%); highest among the groups gnomAD compares: Non-Finnish European, 0.0041%; no homozygotes.

Submissions (2):

Labcorp Genetics (formerly Invitae), Labcorp
Classification: Uncertain significance. Last evaluated: 2024-02-06. Review status: criteria provided, single submitter. Criteria: Invitae Variant Classification Sherloc (09022015). Collection method: clinical testing. Allele origin: germline.
Comment: This sequence change replaces alanine, which is neutral and non-polar, with glycine, which is neutral and non-polar, at codon 61 of the PRPF31 protein (p.Ala61Gly). This variant is present in population databases (rs140412357, gnomAD 0.005%). This missense change has been observed in individual(s) with PRPF31-related conditions (PMID: 34996991). ClinVar contains an entry for this variant (Variation ID: 288338). An algorithm developed to predict the effect of missense changes on protein structure and function (PolyPhen-2) suggests that this variant is likely to be tolerated. In summary, the available evidence is currently insufficient to determine the role of this variant in disease. Therefore, it has been classified as a Variant of Uncertain Significance.

Eurofins Ntd Llc (ga)
Classification: Uncertain significance. Last evaluated: 2016-07-05. Review status: criteria provided, single submitter. Criteria: EGL Classification Definitions 2015. Collection method: clinical testing. Allele origin: germline. Observed: 1 variant allele, 1 heterozygote.

Literature cited by the submitters: PubMed 34996991 (cited by Labcorp Genetics (formerly Invitae), Labcorp).